The following is an entry in ClinVar:

ClinVar aggregate classification (germline): Uncertain significance (1 of 4 stars; one submission).

Submission:

Labcorp Genetics (formerly Invitae), Labcorp
Classification: Uncertain significance. Last evaluated: 2023-04-10. Review status: criteria provided, single submitter. Criteria: Invitae Variant Classification Sherloc (09022015). Collection method: clinical testing. Allele origin: germline.
Comment: An algorithm developed to predict the effect of missense changes on protein structure and function (PolyPhen-2) suggests that this variant is likely to be tolerated. In summary, the available evidence is currently insufficient to determine the role of this variant in disease. Therefore, it has been classified as a Variant of Uncertain Significance. This variant has not been reported in the literature in individuals affected with GNB3-related conditions. This variant is not present in population databases (gnomAD no frequency). This sequence change replaces glycine, which is neutral and non-polar, with arginine, which is basic and polar, at codon 2 of the GNB3 protein (p.Gly2Arg).

NM_002075.4(GNB3):c.4G>A (p.Gly2Arg)

Gene: GNB3 (G protein subunit beta 3; plus strand). Cytogenetic location: 12p13.31.
Variant type: single nucleotide variant.
Coding change: c.4G>A on transcript NM_002075.4 (MANE Select); coding-DNA position 4, G replaced by A.
Protein change: p.Gly2Arg; replaces glycine 2 with arginine.
Molecular consequence: missense variant.
Genome position (GRCh38, 1-based): chr12:6,841,291, G>A. VCF-style: chr12-6841291-G-A. GRCh37 (hg19) VCF-style: chr12-6950455-G-A.
Other names: c.4G>A, p.Gly2Arg (NM_001297571.2); short protein forms G2R.
Identifiers: ClinVar variation 2854737 (VCV002854737.3), dbSNP rs1943568885, ClinGen allele CA383671285.
Genomic context (GRCh38, chr12:6,841,291, plus strand): 5'-TCAACACCGACCCCATGTTCCTGGCAGGAGCCAGAGTGACCCCTCGACCTGTCAGCCATG[G>A]GGGAGATGGAGCAACTGCGTCAGGAAGCGGAGCAGCTCAAGAAGCAGATTGCAGTAACTC-3'
Protein context (NP_002066.1, residues 1-12): M[Gly2Arg]EMEQLRQEAE